The following is an entry in ClinVar:

NM_004958.4(MTOR):c.4362_4373dup (p.Asp1458_Ala1459insGluTrpGluAsp)

Gene: MTOR (mechanistic target of rapamycin kinase; minus strand). Cytogenetic location: 1p36.22.
Variant type: Duplication.
Coding change: c.4362_4373dup on transcript NM_004958.4 (MANE Select); coding-DNA positions 4362 to 4373, 12 bases duplicated (CGAGTGGGAGGA).
Protein change: p.Asp1458_Ala1459insGluTrpGluAsp.
Molecular consequence: inframe insertion.
Genome position (GRCh38, 1-based): chr1:11,157,248-11,157,259, TCCTCCCACTCG duplicated on the plus strand (CGAGTGGGAGGA on the coding strand, the reverse complement: MTOR is on the minus strand); duplicating any 12 consecutive bases within chr1:11,157,248-11,157,260 gives the same sequence; the c. name uses the placement nearest the transcript's 3' end. VCF-style (leftmost placement, unchanged base first): chr1-11157247-A-ATCCTCCCACTCG. GRCh37 (hg19) VCF-style: chr1-11217304-A-ATCCTCCCACTCG.
Other names: c.4362_4373dup, p.Asp1458_Ala1459insGluTrpGluAsp (NM_001386500.1); c.3114_3125dup, p.Asp1042_Ala1043insGluTrpGluAsp (NM_001386501.1).
Identifiers: ClinVar variation 4279995 (VCV004279995.1).

ClinVar aggregate classification (germline): Uncertain significance (1 of 4 stars; one submission).

Conditions:
Isolated focal cortical dysplasia type II (FCORD2). Also called: Focal cortical dysplasia type II; CORTICAL DYSPLASIA OF TAYLOR. Identifiers: Orphanet 268994, MedGen C1846385, MONDO:0011818, OMIM 607341, HP:0032051.

Submission:

Clinical Genomics Laboratory, Washington University in St. Louis
Classification: Uncertain significance for Isolated focal cortical dysplasia type II. Last evaluated: 2025-02-28. Review status: criteria provided, single submitter. Criteria: Leon-Quintero et al. (Clin Genet. 2025). Collection method: clinical testing. Allele origin: somatic. Affected: yes.
Comment: An MTOR c.4362_4373dup (p.Glu1455_Asp1458dup) variant was identified at an allelic fraction consistent with somatic origin. This variant has been reported in various cancers but, to our knowledge, has not been reported in the literature in individuals with overgrowth phenotype (Jin E et al., PMID: 38654109; Wang XT et al., PMID: 38501656; Zehir A et al., PMID: 28481359). This variant is absent from the general population (gnomAD v.4.1.0), indicating it is not a common variant. It resides within a region, the kinase domain, of MTOR that is defined as a critical functional domain (Lai A et al., PMID: 35997716). Based on an internally developed protocol informed by the ACMG/AMP guidelines (Leon-Quintero FZ, et al., PMID: 39434542) and gene-specific practices from the ClinGen Criteria Specification Registry, the MTOR c.4362_4373dup (p.Glu1455_Asp1458dup) variant is classified as a variant of uncertain significance.